The following is an entry in ClinVar:

ClinVar aggregate classification (germline): Uncertain significance (1 of 4 stars; one submission).

Submission:

Women's Health and Genetics/Laboratory Corporation of America, LabCorp
Classification: Uncertain significance. Last evaluated: 2022-03-14. Review status: criteria provided, single submitter. Criteria: LabCorp Variant Classification Summary - May 2015. Collection method: clinical testing. Allele origin: germline.
Comment: Variant summary: PCDH15 c.5253_5266del14 (p.Pro1752PhefsX14) located in the last exon results in a premature termination codon, predicted to cause a truncation of the encoded protein or absence of the protein due to nonsense mediated decay, which are commonly known mechanisms for disease. Truncations downstream of this position have been observed at our laboratory and have been reported in association with Retinitis Pigmentosa (RP) and/or Cone Dystrophy in the HGMD database. The variant was absent in 230836 control chromosomes. However, there exists a preponderance of other LOF variation in this exon within the gnomAD database and this region has been specified as a low complexity region. To our knowledge, no occurrence of c.5253_5266del14 in individuals affected with Usher Syndrome Type 1F and no experimental evidence demonstrating its impact on protein function have been reported. No clinical diagnostic laboratories have submitted clinical-significance assessments for this variant to ClinVar after 2014. Based on the evidence outlined above, the variant was classified as uncertain significance.

NM_033056.4(PCDH15):c.5253_5266del (p.Pro1752fs)

Gene: PCDH15 (protocadherin related 15; minus strand). Cytogenetic location: 10q21.1.
Variant type: Deletion.
Coding change: c.5253_5266del on transcript NM_033056.4 (MANE Plus Clinical); coding-DNA positions 5253 to 5266, 14 bases deleted (TCCTATTTCTCCTC).
Protein change: p.Pro1752fs; shifts the reading frame from proline 1752.
Molecular consequence: frameshift variant. On other transcripts: intron variant (8).
Genome position (GRCh38, 1-based): chr10:53,822,460-53,822,473, GAGGAGAAATAGGA deleted on the plus strand (TCCTATTTCTCCTC on the coding strand, the reverse complement: PCDH15 is on the minus strand); deleting any 14 consecutive bases within chr10:53,822,460-53,822,474 gives the same sequence; the c. name uses the placement nearest the transcript's 3' end. VCF-style (leftmost placement, unchanged base first): chr10-53822459-GGAGGAGAAATAGGA-G. GRCh37 (hg19) VCF-style: chr10-55582219-GGAGGAGAAATAGGA-G.
Other names: c.5274_5287del, p.Pro1759fs (NM_001142763.2); c.5259_5272del, p.Pro1754fs (NM_001142764.2); c.5046_5059del, p.Pro1683fs (NM_001142765.2); c.5244_5257del, p.Pro1749fs (NM_001142766.2); c.5133_5146del, p.Pro1712fs (NM_001142767.2); c.5193_5206del, p.Pro1732fs (NM_001142768.2); c.5184_5197del, p.Pro1729fs (NM_001142773.2); c.5187_5200del, p.Pro1730fs (NM_001354404.2); and 7 more; short protein forms P1683fs, P1712fs, P1729fs, P1730fs, P1732fs, P1749fs, P1752fs, P1754fs.
Identifiers: ClinVar variation 1677105 (VCV001677105.1), dbSNP rs2132494091, ClinGen allele CA2573145199.